The following is an entry in ClinVar:

ClinVar aggregate classification (germline): Uncertain significance (1 of 4 stars; one submission).

Submission:

Labcorp Genetics (formerly Invitae), Labcorp
Classification: Uncertain significance. Last evaluated: 2025-01-29. Review status: criteria provided, single submitter. Criteria: Invitae Variant Classification Sherloc (09022015). Collection method: clinical testing. Allele origin: germline.
Comment: This sequence change replaces phenylalanine, which is neutral and non-polar, with serine, which is neutral and polar, at codon 25 of the DRP2 protein (p.Phe25Ser). This variant is not present in population databases (gnomAD no frequency). This variant has not been reported in the literature in individuals affected with DRP2-related conditions. An algorithm developed to predict the effect of missense changes on protein structure and function outputs the following: PolyPhen-2: "Benign". The serine amino acid residue is found in multiple mammalian species, which suggests that this missense change does not adversely affect protein function. In summary, the available evidence is currently insufficient to determine the role of this variant in disease. Therefore, it has been classified as a Variant of Uncertain Significance.

NM_001939.3(DRP2):c.74T>C (p.Phe25Ser)

Gene: DRP2 (dystrophin related protein 2; plus strand). Cytogenetic location: Xq22.1.
Variant type: single nucleotide variant.
Coding change: c.74T>C on transcript NM_001939.3 (MANE Select); coding-DNA position 74, T replaced by C.
Protein change: p.Phe25Ser; replaces phenylalanine 25 with serine.
Molecular consequence: missense variant. On other transcripts: intron variant (1).
Genome position (GRCh38, 1-based): chrX:101,231,721, T>C. VCF-style: chrX-101231721-T-C. GRCh37 (hg19) VCF-style: chrX-100486710-T-C.
Other names: c.-117-4139T>C (NM_001171184.2); short protein forms F25S.
Identifiers: ClinVar variation 3729110 (VCV003729110.2).